The following is an entry in ClinVar:

NM_001267550.2(TTN):c.61847G>A (p.Trp20616Ter)

Genes: TTN (titin; minus strand), TTN-AS1 (TTN antisense RNA 1; plus strand). Cytogenetic location: 2q31.2.
Variant type: single nucleotide variant.
Coding change: c.61847G>A on transcript NM_001267550.2 (MANE Select); coding-DNA position 61847, G replaced by A.
Protein change: p.Trp20616Ter; replaces tryptophan 20616 with a stop codon.
Molecular consequence: nonsense.
Genome position (GRCh38, 1-based): chr2:178,589,878, C>T on the plus strand (G>A on the coding strand, the complement: TTN is on the minus strand). VCF-style: chr2-178589878-C-T. GRCh37 (hg19) VCF-style: chr2-179454605-C-T.
Other names: c.56924G>A, p.Trp18975Ter (NM_001256850.1); c.34652G>A, p.Trp11551Ter (NM_003319.4); c.54143G>A, p.Trp18048Ter (NM_133378.4); c.35027G>A, p.Trp11676Ter (NM_133432.3); c.35228G>A, p.Trp11743Ter (NM_133437.4); short protein forms W18048*, W11676*, W11743*, W20616*, W11551*, W18975*.
Identifiers: ClinVar variation 661338 (VCV000661338.12), dbSNP rs1576077909, ClinGen allele CA349468328.
Genomic context (GRCh38, chr2:178,589,878, plus strand): 5'-TTGTTGGCTAAAAGGTTGGCCTTGATTAATCGTTTAGTGACATCTGATGCAACAATTGAC[C>T]AGCCTTTCTGGTTTGGTTTGCGATATTCTACTATGAAGTTTGTTATTTCTGAGCCACCAT-3'

ClinVar aggregate classification (germline): Likely pathogenic. Review status: criteria provided, multiple submitters, no conflicts (2 of 4 stars). 2 submissions from 2 submitters: Likely pathogenic (2). Last evaluated 2024-12-27.

Conditions:
TTN-related disorder. Also called: TTN-related disorders; TTN-related condition; TTN-related disease.
Dilated cardiomyopathy 1G (CMD1G). Identifiers: Orphanet 154, MedGen C1858763, MONDO:0011400, OMIM 604145.
Autosomal recessive limb-girdle muscular dystrophy type 2J (LGMDR10). Also called: Limb-girdle muscular dystrophy, type 2J; MUSCULAR DYSTROPHY, LIMB-GIRDLE, AUTOSOMAL RECESSIVE 10. Identifiers: Orphanet 140922, MedGen C1837342, MONDO:0012127, OMIM 608807.

Submissions (2):

Labcorp Genetics (formerly Invitae), Labcorp
Classification: Likely pathogenic for Dilated cardiomyopathy 1G; Autosomal recessive limb-girdle muscular dystrophy type 2J. Last evaluated: 2024-12-27. Review status: criteria provided, single submitter. Criteria: Invitae Variant Classification Sherloc (09022015). Collection method: clinical testing. Allele origin: germline.
Comment: This sequence change creates a premature translational stop signal (p.Trp20616*) in the TTN gene. While this is not anticipated to result in nonsense mediated decay, it is expected to create a truncated TTN protein. This variant is not present in population databases (gnomAD no frequency). This variant has not been reported in the literature in individuals affected with TTN-related conditions. ClinVar contains an entry for this variant (Variation ID: 661338). This variant is located in the A band of TTN (PMID: 25589632). Truncating variants in this region are significantly overrepresented in patients affected with dilated cardiomyopathy (PMID: 25589632). Truncating variants in this region have also been reported in individuals affected with autosomal recessive centronuclear myopathy (PMID: 23975875). In summary, the currently available evidence indicates that the variant is pathogenic, but additional data are needed to prove that conclusively. Therefore, this variant has been classified as Likely Pathogenic.

Blueprint Genetics
Classification: Likely pathogenic for TTN-related disorders. Last evaluated: 2023-12-18. Review status: criteria provided, single submitter. Criteria: ACMG Guidelines, 2015. Collection method: clinical testing. Allele origin: germline. Affected: yes. Observed: 1 variant allele.

Literature cited by the submitters: PubMed 25589632 (cited by Labcorp Genetics (formerly Invitae), Labcorp); PubMed 23975875 (cited by Labcorp Genetics (formerly Invitae), Labcorp).